The following is an entry in ClinVar:

NM_001292063.2(OTOG):c.76C>T (p.Leu26=)

Gene: OTOG (otogelin; plus strand). Cytogenetic location: 11p15.1.
Variant type: single nucleotide variant.
Coding change: c.76C>T on transcript NM_001292063.2 (MANE Select); coding-DNA position 76, C replaced by T.
Protein change: p.Leu26=; no amino-acid change (leucine 26 retained).
Molecular consequence: synonymous variant.
Genome position (GRCh38, 1-based): chr11:17,547,448, C>T. VCF-style: chr11-17547448-C-T. GRCh37 (hg19) VCF-style: chr11-17568995-C-T.
Other names: c.76C>T, p.Leu26= (NM_001277269.2).
Identifiers: ClinVar variation 515578 (VCV000515578.2), dbSNP rs947155842, ClinGen allele CA218483448.

ClinVar aggregate classification (germline): Likely benign. Review status: criteria provided, multiple submitters, no conflicts (2 of 4 stars). 2 submissions from 2 submitters: Likely benign (2). Last evaluated 2019-09-05.

Allele frequency attached by ClinVar (database versions not stated): TOPMed 0.00013; 1000 Genomes Project 30x 0.00016; gnomAD 0.00016.
gnomAD v4.1: 30 of 1,382,008 alleles (0.0022%); highest among the groups gnomAD compares: African/African-American, 0.044%; no homozygotes.

Submissions (2):

Blueprint Genetics
Classification: Likely benign. Last evaluated: 2019-09-05. Review status: criteria provided, single submitter. Criteria: ACMG Guidelines, 2015. Collection method: clinical testing. Allele origin: germline.

GeneDx
Classification: Likely benign. Last evaluated: 2018-02-22. Review status: criteria provided, single submitter. Criteria: GeneDx Variant Classification (06012015). Collection method: clinical testing. Allele origin: germline. Affected: yes.
Comment: This variant is considered likely benign or benign based on one or more of the following criteria: it is a conservative change, it occurs at a poorly conserved position in the protein, it is predicted to be benign by multiple in silico algorithms, and/or has population frequency not consistent with disease.